The following is an entry in ClinVar:

ClinVar aggregate classification (germline): Likely benign (1 of 4 stars; one submission).

Allele frequency attached by ClinVar (database versions not stated): 1000 Genomes Project 0.00120; 1000 Genomes Project 30x 0.00125; ExAC 0.00192; ESP Exome Variant Server 0.00250; gnomAD 0.00311; gnomAD exomes 0.00499.
gnomAD v4.1: 6,389 of 1,336,880 alleles (0.48%); highest among the groups gnomAD compares: Non-Finnish European, 0.54%; 31 homozygotes.

Submission:

CeGaT Center for Human Genetics Tuebingen
Classification: Likely benign. Last evaluated: 2024-05-01. Review status: criteria provided, single submitter. Criteria: CeGaT Center For Human Genetics Tuebingen Variant Classification Criteria Version 2. Collection method: clinical testing. Allele origin: germline. Affected: yes. Observed: 1 variant allele.
Comment: SRRD: BP4, BP7

NM_001013694.3(SRRD):c.150C>T (p.Gly50=)

Genes: SRRD (SRR1 domain containing; plus strand), LOC130067148 (ATAC-STARR-seq lymphoblastoid silent region 13569; plus strand). Cytogenetic location: 22q12.1.
Variant type: single nucleotide variant.
Coding change: c.150C>T on transcript NM_001013694.3 (MANE Select); coding-DNA position 150, C replaced by T.
Protein change: p.Gly50=; no amino-acid change (glycine 50 retained).
Molecular consequence: synonymous variant.
Genome position (GRCh38, 1-based): chr22:26,484,040, C>T. VCF-style: chr22-26484040-C-T. GRCh37 (hg19) VCF-style: chr22-26880006-C-T.
Identifiers: ClinVar variation 3238993 (VCV003238993.19), dbSNP rs371251054.